The following is an entry in ClinVar:

ClinVar aggregate classification (germline): Likely pathogenic (1 of 4 stars; one submission).

Conditions:
ZMYM2-related disorder. Also called: ZMYM2-related condition.

Submissions (2):

PreventionGenetics, part of Exact Sciences
Classification: Likely pathogenic for ZMYM2-related condition. Last evaluated: 2025-09-02. Review status: criteria provided, single submitter. Criteria: ACMG Guidelines, 2015. Collection method: clinical testing. Allele origin: germline.
Comment: The ZMYM2 c.847+1G>A variant is predicted to disrupt the GT donor site and interfere with normal splicing. To our knowledge, this variant has not been reported in the literature or in a large population database (gnomAD), indicating this variant is rare. Variants that disrupt the consensus splice donor site in ZMYM2 are expected to be pathogenic. This variant is interpreted as likely pathogenic.

Dr. Peter K. Rogan Lab, Western University
No classification provided (evidence only). Condition: Thyroid cancer, nonmedullary, 1. Review status: no classification provided. Collection method: in vitro. Allele origin: not applicable. Functional consequence: retained intron. Not counted in ClinVar's aggregate classification.

NM_197968.4(ZMYM2):c.847+1G>A

Gene: ZMYM2 (zinc finger MYM-type containing 2; plus strand). Cytogenetic location: 13q12.11.
Variant type: single nucleotide variant.
Coding change: c.847+1G>A on transcript NM_197968.4 (MANE Select); the canonical splice donor site of the intron after coding-DNA position 847, G replaced by A.
Molecular consequence: splice donor variant.
Genome position (GRCh38, 1-based): chr13:19,993,920, G>A. VCF-style: chr13-19993920-G-A. GRCh37 (hg19) VCF-style: chr13-20568060-G-A.
Other names: NC_000013.10:g.20568060G>A; c.586+1G>A (NM_001353163.2); c.847+1G>A (NM_001353157.2, NM_001353164.2, NM_001353159.2 and 6 more transcripts); c.652+1G>A (NM_001353161.3).
Identifiers: ClinVar variation 4391207 (VCV004391207.2).